The following is an entry in ClinVar:

NM_006767.4(LZTR1):c.935A>C (p.His312Pro)

Gene: LZTR1 (leucine zipper like post translational regulator 1; plus strand). Cytogenetic location: 22q11.21.
Variant type: single nucleotide variant.
Coding change: c.935A>C on transcript NM_006767.4 (MANE Select); coding-DNA position 935, A replaced by C.
Protein change: p.His312Pro; replaces histidine 312 with proline.
Molecular consequence: missense variant.
Genome position (GRCh38, 1-based): chr22:20,991,771, A>C. VCF-style: chr22-20991771-A-C. GRCh37 (hg19) VCF-style: chr22-21346060-A-C.
Other names: short protein forms H312P.
Identifiers: ClinVar variation 2998882 (VCV002998882.3), dbSNP rs2518617286, ClinGen allele CA410781469.

ClinVar aggregate classification (germline): Uncertain significance (1 of 4 stars; one submission).

Submission:

Labcorp Genetics (formerly Invitae), Labcorp
Classification: Uncertain significance. Last evaluated: 2023-12-11. Review status: criteria provided, single submitter. Criteria: Invitae Variant Classification Sherloc (09022015). Collection method: clinical testing. Allele origin: germline.
Comment: This sequence change replaces histidine, which is basic and polar, with proline, which is neutral and non-polar, at codon 312 of the LZTR1 protein (p.His312Pro). This variant is not present in population databases (gnomAD no frequency). This variant has not been reported in the literature in individuals affected with LZTR1-related conditions. Advanced modeling of protein sequence and biophysical properties (such as structural, functional, and spatial information, amino acid conservation, physicochemical variation, residue mobility, and thermodynamic stability) performed at Invitae indicates that this missense variant is not expected to disrupt LZTR1 protein function with a negative predictive value of 80%. In summary, the available evidence is currently insufficient to determine the role of this variant in disease. Therefore, it has been classified as a Variant of Uncertain Significance.